The following is an entry in ClinVar:

ClinVar aggregate classification (germline): Uncertain significance. Review status: criteria provided, multiple submitters, no conflicts (2 of 4 stars). 2 submissions from 2 submitters: Uncertain significance (2). Last evaluated 2023-04-26.

Conditions:
Inborn genetic diseases. Identifiers: MedGen C0950123, MeSH D030342.

Submissions (2):

Ambry Genetics
Classification: Uncertain significance for Inborn genetic diseases. Last evaluated: 2023-04-26. Review status: criteria provided, single submitter. Criteria: Ambry Variant Classification Scheme 2023. Collection method: clinical testing. Allele origin: germline.

Labcorp Genetics (formerly Invitae), Labcorp
Classification: Uncertain significance. Last evaluated: 2022-08-31. Review status: criteria provided, single submitter. Criteria: Invitae Variant Classification Sherloc (09022015). Collection method: clinical testing. Allele origin: germline.
Comment: This sequence change replaces methionine, which is neutral and non-polar, with isoleucine, which is neutral and non-polar, at codon 380 of the HSPG2 protein (p.Met380Ile). This variant is not present in population databases (gnomAD no frequency). This variant has not been reported in the literature in individuals affected with HSPG2-related conditions. ClinVar contains an entry for this variant (Variation ID: 1400749). Algorithms developed to predict the effect of missense changes on protein structure and function (SIFT, PolyPhen-2, Align-GVGD) all suggest that this variant is likely to be tolerated. In summary, the available evidence is currently insufficient to determine the role of this variant in disease. Therefore, it has been classified as a Variant of Uncertain Significance.

NM_005529.7(HSPG2):c.1140G>A (p.Met380Ile)

Gene: HSPG2 (heparan sulfate proteoglycan 2; minus strand). Cytogenetic location: 1p36.12.
Variant type: single nucleotide variant.
Coding change: c.1140G>A on transcript NM_005529.7 (MANE Select); coding-DNA position 1140, G replaced by A.
Protein change: p.Met380Ile; replaces methionine 380 with isoleucine.
Molecular consequence: missense variant.
Genome position (GRCh38, 1-based): chr1:21,885,390, C>T on the plus strand (G>A on the coding strand, the complement: HSPG2 is on the minus strand). VCF-style: chr1-21885390-C-T. GRCh37 (hg19) VCF-style: chr1-22211883-C-T.
Other names: c.1140G>A, p.Met380Ile (NM_001291860.2); c.1140G>A (NM_005529.5); short protein forms M380I.
Identifiers: ClinVar variation 1400749 (VCV001400749.12), dbSNP rs2152760304, ClinGen allele CA338967644.
Genomic context (GRCh38, chr1:21,885,390, plus strand): 5'-CTCGTCGCTCCGGTCAGGACAGTCGCTCTCCTCGTCACAGTGGAAGCTGGCTGGGATGCA[C>T]ATGTTGGTAGAGACGCATCGGAACTGTGTGGGCCCGCACACTTCCTCAGGACGCTTGGTG-3'
Protein context (NP_005520.4, residues 370-390): PTQFRCVSTN[Met380Ile]CIPASFHCDE